The following is an entry in ClinVar:

ClinVar aggregate classification (germline): Uncertain significance (1 of 4 stars; one submission).

gnomAD v4.1: 2 of 1,585,192 alleles (0.00013%); highest among the groups gnomAD compares: South Asian, 0.0023%; no homozygotes.

Submission:

Ambry Genetics
Classification: Uncertain significance. Last evaluated: 2026-06-21. Review status: criteria provided, single submitter. Criteria: Ambry Variant Classification Scheme 2023. Collection method: clinical testing. Allele origin: germline.
Comment: The p.P739S variant (also known as c.2215C>T), located in coding exon 10 of the WNK2 gene, results from a C to T substitution at nucleotide position 2215. The proline at codon 739 is replaced by serine, an amino acid with similar properties. This amino acid position is conserved. In addition, this alteration is predicted to be tolerated by in silico analysis. Based on the available evidence, the clinical significance of this variant remains unclear.

NM_006648.4(WNK2):c.2215C>T (p.Pro739Ser)

Gene: WNK2 (WNK lysine deficient protein kinase 2; plus strand). Cytogenetic location: 9q22.31.
Variant type: single nucleotide variant.
Coding change: c.2215C>T on transcript NM_006648.4 (MANE Select); coding-DNA position 2215, C replaced by T.
Protein change: p.Pro739Ser; replaces proline 739 with serine.
Molecular consequence: missense variant.
Genome position (GRCh38, 1-based): chr9:93,256,972, C>T. VCF-style: chr9-93256972-C-T. GRCh37 (hg19) VCF-style: chr9-96019254-C-T.
Other names: c.2215C>T, p.Pro739Ser (NM_001282394.3); short protein forms P739S.
Identifiers: ClinVar variation 5031800 (VCV005031800.1).